The following is an entry in ClinVar:

NM_000255.4(MMUT):c.2026G>A (p.Ala676Thr)

Gene: MMUT (methylmalonyl-CoA mutase; minus strand). Cytogenetic location: 6p12.3.
Variant type: single nucleotide variant.
Coding change: c.2026G>A on transcript NM_000255.4 (MANE Select); coding-DNA position 2026, G replaced by A.
Protein change: p.Ala676Thr; replaces alanine 676 with threonine.
Molecular consequence: missense variant.
Genome position (GRCh38, 1-based): chr6:49,435,554, C>T on the plus strand (G>A on the coding strand, the complement: MMUT is on the minus strand). VCF-style: chr6-49435554-C-T. GRCh37 (hg19) VCF-style: chr6-49403267-C-T.
Other names: short protein forms A676T.
Identifiers: ClinVar variation 574601 (VCV000574601.64), dbSNP rs147715336, ClinGen allele CA3846675.

ClinVar aggregate classification (germline): Pathogenic/Likely pathogenic. Review status: criteria provided, multiple submitters, no conflicts (2 of 4 stars). 11 submissions from 11 submitters: Pathogenic (4); Likely pathogenic (6). 1 of the submissions does not count toward it. Last evaluated 2026-08-06.

Conditions:
Methylmalonic acidemia (MMA). Also called: Isolated Methylmalonic Acidemia. Identifiers: MedGen C0268583, MeSH C537358, MONDO:0002012, HP:0002912.
MMUT-related disorder. Also called: MMUT-related condition.
Methylmalonic aciduria due to complete methylmalonyl-CoA mutase deficiency.
MUT-related disorders.
Methylmalonic aciduria due to methylmalonyl-CoA mutase deficiency (MAMM). Also called: Methylmalonic aciduria, mut type. Identifiers: Orphanet 27, MedGen C1855114, MONDO:0009612, OMIM 251000.

Allele frequency attached by ClinVar (database versions not stated): ExAC 0.00008; ESP Exome Variant Server 0.00008; gnomAD exomes 0.00008 and 0.00022; gnomAD 0.00011; 1000 Genomes Project 30x 0.00016; TOPMed 0.00016; 1000 Genomes Project 0.00020.
gnomAD v4.1: 337 of 1,614,116 alleles (0.021%); highest among the groups gnomAD compares: Non-Finnish European, 0.026%; no homozygotes.

Submissions (11):

OLLIN Analises Genomicas, OLLIN
Classification: Likely pathogenic for Methylmalonic aciduria due to methylmalonyl-CoA mutase deficiency. Last evaluated: 2026-08-06. Review status: criteria provided, single submitter. Criteria: ACMG Guidelines 2015 PMID 25741868. Collection method: clinical testing. Allele origin: germline. Inheritance: Autosomal recessive inheritance.
Comment: This missense variant, located in exon 12 (of 13), has been reported in ClinVar (accession VCV000574601.60), in gnomAD with an allele frequency of 0.0209%, and in the scientific literature, in compound heterozygosity, in individuals with MMUT related disorders (PMID: 30041674). In silico analysis predicts that this variant has a deleterious effect. According to the currently available evidence, this variant has been classified as likely pathogenic (PM2_P, PM3, PP3_M).

CeGaT Center for Human Genetics Tuebingen
Classification: Likely pathogenic. Last evaluated: 2026-08-01. Review status: criteria provided, single submitter. Criteria: CeGaT Center For Human Genetics Tuebingen Variant Classification Criteria Version 2. Collection method: clinical testing. Allele origin: germline. Affected: yes. Observed: 3 variant alleles.
Comment: MMUT: PM3:Strong, PM2, PS3:Supporting

3billion
Classification: Pathogenic for Methylmalonic aciduria due to methylmalonyl-CoA mutase deficiency. Last evaluated: 2026-01-13. Review status: criteria provided, single submitter. Criteria: ACMG Guidelines, 2015. Collection method: clinical testing. Allele origin: germline. Affected: yes.
Comment: The variant is observed at an extremely low frequency in the gnomAD v4.1.0 dataset (total allele frequency: 0.021%). Predicted Consequence/Location: Missense variant In silico tool predictions suggest damaging effect of the variant on gene or gene product [REVEL: 0.88 (>=0.6, sensitivity 0.68 and specificity 0.92); 3Cnet: 0.89 (> 0.75, sensitivity 0.96 and precision 0.92)]. The same nucleotide change resulting in the same amino acid change has been previously reported as pathogenic/likely pathogenic with strong evidence (ClinVar ID: VCV000574601 /PMID: 30041674). The variant has been reported to be in trans with a pathogenic variant as either compound heterozygous or homozygous in at least one similarly affected unrelated individual (PMID: 30041674). Therefore, this variant is classified as Pathogenic according to the recommendation of ACMG/AMP guideline.

Labcorp Genetics (formerly Invitae), Labcorp
Classification: Pathogenic. Last evaluated: 2025-10-07. Review status: criteria provided, single submitter. Criteria: Invitae Variant Classification Sherloc (09022015). Collection method: clinical testing. Allele origin: germline.
Comment: This sequence change replaces alanine, which is neutral and non-polar, with threonine, which is neutral and polar, at codon 676 of the MUT protein (p.Ala676Thr). This variant is present in population databases (rs147715336, gnomAD 0.02%). This missense change has been observed in individual(s) with methylmalonic acidemia (internal data). In at least one individual the data is consistent with being in trans (on the opposite chromosome) from a pathogenic variant. ClinVar contains an entry for this variant (Variation ID: 574601). Invitae Evidence Modeling of protein sequence and biophysical properties (such as structural, functional, and spatial information, amino acid conservation, physicochemical variation, residue mobility, and thermodynamic stability) indicates that this missense variant is expected to disrupt MUT protein function with a positive predictive value of 95%. For these reasons, this variant has been classified as Pathogenic.

Natera, Inc.
Classification: Likely pathogenic for Methylmalonic aciduria due to complete methylmalonyl-CoA mutase deficiency. Last evaluated: 2025-09-10. Review status: criteria provided, single submitter. Criteria: Natera Variant Classification Schema (03/2026). Collection method: clinical testing. Allele origin: germline.
Comment: The c.2026G>A variant in MMUT is a missense variant predicted to cause substitution of alanine to threonine at amino acid 676. This variant is rare in the general population with a frequency below the threshold expected for the associated phenotype(s). This variant has been observed in one or more individuals affected with the associated recessive disease, as either homozygous or compound heterozygous with a second variant (PMID: 30041674, 35225935, 35281663). Computational prediction algorithms indicate this variant is likely to affect gene or protein function. Given the available evidence, this variant is classified as Likely Pathogenic.

Dasa
Classification: Likely pathogenic for Methylmalonic aciduria due to methylmalonyl-CoA mutase deficiency. Last evaluated: 2025-04-05. Review status: criteria provided, single submitter. Criteria: DASA Assertion Criteria. Collection method: clinical testing. Allele origin: germline.
Comment: NM_000255.4(MMUT):c.2026G>A (p.Ala676Thr) is a missense variant that results in the substitution of alanine with threonine. The affected residue or protein region has prior evidence supporting clinical relevance. This variant has been recurrently observed in individuals with MMUT-related disorders (PMID: 30041674; PMID: 35225935). Also, this variant is rare in population databases. Computational evidence supports a deleterious effect. Based on the currently available evidence, this variant is classified as likely pathogenic.

Women's Health and Genetics/Laboratory Corporation of America, LabCorp
Classification: Likely pathogenic for Methylmalonic acidemia. Last evaluated: 2024-10-14. Review status: criteria provided, single submitter. Criteria: LabCorp Variant Classification Summary - May 2015. Collection method: clinical testing. Allele origin: germline.
Comment: Variant summary: MMUT c.2026G>A (p.Ala676Thr) results in a non-conservative amino acid change located in the Cobalamin (vitamin B12)-binding domain (IPR006158) of the encoded protein sequence. Five of five in-silico tools predict a damaging effect of the variant on protein function. The variant was absent in 282576 control chromosomes. c.2026G>A has been reported in the literature in individuals affected with Methylmalonic Acidemia (Brasil_2018, Held_2022, Internal Data). These data indicate that the variant is likely to be associated with disease. To our knowledge, no experimental evidence demonstrating an impact on protein function has been reported. The following publications have been ascertained in the context of this evaluation (PMID: 30041674, 35225935). ClinVar contains an entry for this variant (Variation ID: 574601). Based on the evidence outlined above, the variant was classified as likely pathogenic.

Blueprint Genetics
Classification: Pathogenic for MUT-related disorders. Last evaluated: 2024-10-10. Review status: criteria provided, single submitter. Criteria: ACMG Guidelines, 2015. Collection method: clinical testing. Allele origin: germline. Affected: yes. Observed: 5 variant alleles.

Mendelics
Classification: Pathogenic for Methylmalonic aciduria due to methylmalonyl-CoA mutase deficiency. Last evaluated: 2022-05-04. Review status: criteria provided, single submitter. Criteria: Mendelics Assertion Criteria 2019. Collection method: clinical testing. Allele origin: germline.

Fulgent Genetics
Classification: Likely pathogenic for Methylmalonic aciduria due to methylmalonyl-CoA mutase deficiency. Last evaluated: 2021-06-30. Review status: criteria provided, single submitter. Criteria: ACMG Guidelines, 2015. Collection method: clinical testing. Allele origin: unknown.
Comment: This variant has been detected in individual(s) who were sent for testing of Renasight - kidney gene panel.

PreventionGenetics, part of Exact Sciences
Classification: Likely pathogenic for MMUT-related condition. Last evaluated: 2023-12-02. Review status: no assertion criteria provided. Collection method: clinical testing. Allele origin: germline. Not counted in ClinVar's aggregate classification.
Comment: The MMUT c.2026G>A variant is predicted to result in the amino acid substitution p.Ala676Thr. This variant has been reported in the homozygous and compound heterozygous state in two unrelated individuals with cobalamin deficiency (Brasil et al. 2018. PubMed ID: 30041674). This variant was also described, along with a protein-truncating variant, in an individual who tested positive on newborn screening (Held et al. 2022. PubMed ID: 35225935). This variant is reported in 0.020% of alleles in individuals of Latino descent in gnomAD. This variant is interpreted as likely pathogenic. This variant is interpreted as likely pathogenic.

Literature cited by the submitters: PubMed 30041674 (cited by 5 submitters); PubMed 35225935 (cited by 3 submitters); PubMed 35281663 (cited by Natera, Inc.).